The following is an entry in ClinVar:

ClinVar aggregate classification (germline): Likely benign. Review status: criteria provided, multiple submitters, no conflicts (2 of 4 stars). 4 submissions from 4 submitters: Likely benign (3). 1 of the submissions does not count toward it. Last evaluated 2026-09-01.

Conditions:
BUB1-related disorder. Also called: BUB1-related condition.

Allele frequency attached by ClinVar (database versions not stated): ExAC 0.00022; ESP Exome Variant Server 0.00031.
gnomAD v4.1: 589 of 1,613,956 alleles (0.036%); highest among the groups gnomAD compares: Admixed American, 0.11%; no homozygotes.

Submissions (4):

CeGaT Center for Human Genetics Tuebingen
Classification: Likely benign. Last evaluated: 2026-09-01. Review status: criteria provided, single submitter. Criteria: CeGaT Center For Human Genetics Tuebingen Variant Classification Criteria Version 2. Collection method: clinical testing. Allele origin: germline. Affected: yes. Observed: 3 variant alleles.
Comment: BUB1: BP4, BP7

Labcorp Genetics (formerly Invitae), Labcorp
Classification: Likely benign. Last evaluated: 2025-12-30. Review status: criteria provided, single submitter. Criteria: Invitae Variant Classification Sherloc (09022015). Collection method: clinical testing. Allele origin: germline.

Ambry Genetics
Classification: Likely benign. Last evaluated: 2022-02-12. Review status: criteria provided, single submitter. Criteria: Ambry Variant Classification Scheme 2023. Collection method: clinical testing. Allele origin: germline.

PreventionGenetics, part of Exact Sciences
Classification: Likely benign for BUB1-related condition. Last evaluated: 2019-12-23. Review status: no assertion criteria provided. Collection method: clinical testing. Allele origin: germline. Not counted in ClinVar's aggregate classification.
Comment: This variant is classified as likely benign based on ACMG/AMP sequence variant interpretation guidelines (Richards et al. 2015 PMID: 25741868, with internal and published modifications).

NM_004336.5(BUB1):c.318G>C (p.Ala106=)

Gene: BUB1 (BUB1 mitotic checkpoint serine/threonine kinase; minus strand). Cytogenetic location: 2q13.
Variant type: single nucleotide variant.
Coding change: c.318G>C on transcript NM_004336.5 (MANE Select); coding-DNA position 318, G replaced by C.
Protein change: p.Ala106=; no amino-acid change (alanine 106 retained).
Molecular consequence: synonymous variant.
Genome position (GRCh38, 1-based): chr2:110,672,765, C>G on the plus strand (G>C on the coding strand, the complement: BUB1 is on the minus strand). VCF-style: chr2-110672765-C-G. GRCh37 (hg19) VCF-style: chr2-111430342-C-G.
Other names: c.318G>C (NM_004336.4); c.258G>C, p.Ala86= (NM_001278616.2); c.318G>C, p.Ala106= (NM_001278617.2).
Identifiers: ClinVar variation 1728648 (VCV001728648.30), dbSNP rs370559107, ClinGen allele CA1828388.